The following is an entry in ClinVar:

ClinVar aggregate classification (germline): Pathogenic/Likely pathogenic. Review status: criteria provided, multiple submitters, no conflicts (2 of 4 stars). 2 submissions from 2 submitters: Pathogenic (1); Likely pathogenic (1). Last evaluated 2022-11-01.

Conditions:
ARHGEF18-related disorder. Also called: ARHGEF18-related condition.

Submissions (2):

Labcorp Genetics (formerly Invitae), Labcorp
Classification: Pathogenic. Last evaluated: 2022-11-01. Review status: criteria provided, single submitter. Criteria: Invitae Variant Classification Sherloc (09022015). Collection method: clinical testing. Allele origin: germline.
Comment: For these reasons, this variant has been classified as Pathogenic. ClinVar contains an entry for this variant (Variation ID: 970053). This variant has not been reported in the literature in individuals affected with ARHGEF18-related conditions. This variant is not present in population databases (gnomAD no frequency). This sequence change creates a premature translational stop signal (p.Ile342Asnfs*12) in the ARHGEF18 gene. It is expected to result in an absent or disrupted protein product. Loss-of-function variants in ARHGEF18 are known to be pathogenic (PMID: 28132693).

Blueprint Genetics
Classification: Likely pathogenic for ARHGEF18-related disorders. Last evaluated: 2019-08-29. Review status: criteria provided, single submitter. Criteria: ACMG Guidelines, 2015. Collection method: clinical testing. Allele origin: germline. Affected: yes. Observed: 1 variant allele.

Literature cited by the submitters: PubMed 28132693 (cited by Labcorp Genetics (formerly Invitae), Labcorp).

NM_001367823.1(ARHGEF18):c.1588dup (p.Ile530fs)

Gene: ARHGEF18 (Rho/Rac guanine nucleotide exchange factor 18; plus strand). Cytogenetic location: 19p13.2.
Variant type: Duplication.
Coding change: c.1588dup on transcript NM_001367823.1 (MANE Select); coding-DNA position 1588, one base duplicated (A; older notation c.1588dupA).
Protein change: p.Ile530fs; shifts the reading frame from isoleucine 530.
Molecular consequence: frameshift variant.
Genome position (GRCh38, 1-based): chr19:7,444,431, A duplicated; the last of 4 consecutive A bases (chr19:7,444,428-7,444,431); duplicating any one gives the same sequence. VCF-style (leftmost placement, unchanged base first): chr19-7444427-G-GA. GRCh37 (hg19) VCF-style: chr19-7509313-G-GA.
Other names: c.862dup, p.Ile288fs (NM_001130955.2); c.550dup, p.Ile184fs (NM_001367824.1, NM_015318.4); short protein forms I288fs, I184fs, I530fs.
Identifiers: ClinVar variation 970053 (VCV000970053.8), dbSNP rs1974868088, ClinGen allele CA1139666206.
Genomic context (GRCh38, chr19:7,444,427, plus strand): 5'-GCTCAAGGAGCGCCGCCAGGAGTCCCTGGAGGAGGGCAGTGACCGGAATTATGTCATCCA[G>GA]AAAATCGGCGACCTCCTGGTTCAGCAGGTGGGTGCAGCCGTGTTCATCTCAACAGTCTTC-3'